The following is an entry in ClinVar:

NM_031407.7(HUWE1):c.7415C>G (p.Pro2472Arg)

Genes: HUWE1 (HECT, UBA and WWE domain containing E3 ubiquitin protein ligase 1; minus strand), LOC126863262 (MED14-independent group 3 enhancer GRCh37_chrX:53588722-53589921; plus strand). Cytogenetic location: Xp11.22.
Variant type: single nucleotide variant.
Coding change: c.7415C>G on transcript NM_031407.7 (MANE Select); coding-DNA position 7415, C replaced by G.
Protein change: p.Pro2472Arg; replaces proline 2472 with arginine.
Molecular consequence: missense variant.
Genome position (GRCh38, 1-based): chrX:53,561,848, G>C on the plus strand (C>G on the coding strand, the complement: HUWE1 is on the minus strand). VCF-style: chrX-53561848-G-C. GRCh37 (hg19) VCF-style: chrX-53588809-G-C.
Other names: short protein forms P2472R.
Identifiers: ClinVar variation 1806512 (VCV001806512.2), dbSNP rs2524011358, ClinGen allele CA413158607.

ClinVar aggregate classification (germline): Uncertain significance (1 of 4 stars; one submission).

Allele frequency attached by ClinVar (database versions not stated): gnomAD exomes below 0.00001.
gnomAD v4.1: 2 of 1,211,572 alleles (0.00017%); highest among the groups gnomAD compares: Non-Finnish European, 0.00022%; no homozygotes.

Submission:

GeneDx
Classification: Uncertain significance. Last evaluated: 2025-04-01. Review status: criteria provided, single submitter. Criteria: GeneDx Variant Classification Process June 2021. Collection method: clinical testing. Allele origin: germline. Affected: yes.
Comment: Not observed at significant frequency in large population cohorts (gnomAD); In silico analysis supports that this missense variant does not alter protein structure/function; Has not been previously published as pathogenic or benign to our knowledge